The following is an entry in ClinVar:

NM_019594.4(LRRC8A):c.1228G>A (p.Glu410Lys)

Gene: LRRC8A (leucine rich repeat containing 8 VRAC subunit A; plus strand). Cytogenetic location: 9q34.11.
Variant type: single nucleotide variant.
Coding change: c.1228G>A on transcript NM_019594.4 (MANE Select); coding-DNA position 1228, G replaced by A.
Protein change: p.Glu410Lys; replaces glutamic acid 410 with lysine.
Molecular consequence: missense variant.
Genome position (GRCh38, 1-based): chr9:128,908,392, G>A. VCF-style: chr9-128908392-G-A. GRCh37 (hg19) VCF-style: chr9-131670671-G-A.
Other names: c.1228G>A, p.Glu410Lys (NM_001127244.2, NM_001127245.2); short protein forms E410K.
Identifiers: ClinVar variation 2270085 (VCV002270085.4), dbSNP rs572071996, ClinGen allele CA5270852.

ClinVar aggregate classification (germline): Uncertain significance. Review status: criteria provided, multiple submitters, no conflicts (2 of 4 stars). 2 submissions from 2 submitters: Uncertain significance (2). Last evaluated 2024-03-24.

Allele frequency attached by ClinVar (database versions not stated): gnomAD 0.00001; gnomAD exomes 0.00002; TOPMed 0.00002; ExAC 0.00003; 1000 Genomes Project 30x 0.00016; 1000 Genomes Project 0.00020.
gnomAD v4.1: 26 of 1,613,818 alleles (0.0016%); highest among the groups gnomAD compares: South Asian, 0.0099%; no homozygotes.

Submissions (2):

Labcorp Genetics (formerly Invitae), Labcorp
Classification: Uncertain significance. Last evaluated: 2024-03-24. Review status: criteria provided, single submitter. Criteria: Invitae Variant Classification Sherloc (09022015). Collection method: clinical testing. Allele origin: germline.
Comment: This sequence change replaces glutamic acid, which is acidic and polar, with lysine, which is basic and polar, at codon 410 of the LRRC8A protein (p.Glu410Lys). This variant is present in population databases (rs572071996, gnomAD 0.01%). This variant has not been reported in the literature in individuals affected with LRRC8A-related conditions. ClinVar contains an entry for this variant (Variation ID: 2270085). An algorithm developed to predict the effect of missense changes on protein structure and function (PolyPhen-2) suggests that this variant is likely to be disruptive. In summary, the available evidence is currently insufficient to determine the role of this variant in disease. Therefore, it has been classified as a Variant of Uncertain Significance.

Ambry Genetics
Classification: Uncertain significance. Last evaluated: 2022-01-05. Review status: criteria provided, single submitter. Criteria: Ambry Variant Classification Scheme 2023. Collection method: clinical testing. Allele origin: germline.